The following is an entry in ClinVar:

NM_017951.5(SMPD4):c.1173C>T (p.Asp391=)

Gene: SMPD4 (sphingomyelin phosphodiesterase 4; minus strand). Cytogenetic location: 2q21.1.
Variant type: single nucleotide variant.
Coding change: c.1173C>T on transcript NM_017951.5 (MANE Select); coding-DNA position 1173, C replaced by T.
Protein change: p.Asp391=; no amino-acid change (aspartic acid 391 retained).
Molecular consequence: synonymous variant. On other transcripts: non-coding transcript variant (2).
Genome position (GRCh38, 1-based): chr2:130,156,600, G>A on the plus strand (C>T on the coding strand, the complement: SMPD4 is on the minus strand). VCF-style: chr2-130156600-G-A. GRCh37 (hg19) VCF-style: chr2-130914173-G-A.
Other names: c.984C>T, p.Asp328= (NM_001171083.2); c.1203C>T, p.Asp401= (NM_017751.4).
Identifiers: ClinVar variation 3257696 (VCV003257696.17).

ClinVar aggregate classification (germline): Likely benign (1 of 4 stars; one submission).

gnomAD v4.1: 18 of 1,613,696 alleles (0.0011%); highest among the groups gnomAD compares: East Asian, 0.0022%; no homozygotes.

Submission:

CeGaT Center for Human Genetics Tuebingen
Classification: Likely benign. Last evaluated: 2024-07-01. Review status: criteria provided, single submitter. Criteria: CeGaT Center For Human Genetics Tuebingen Variant Classification Criteria Version 2. Collection method: clinical testing. Allele origin: germline. Affected: yes. Observed: 1 variant allele.
Comment: SMPD4: BP4, BP7